The following is an entry in ClinVar:

ClinVar aggregate classification (germline): Uncertain significance (1 of 4 stars; one submission).

Submission:

GeneDx
Classification: Uncertain significance. Last evaluated: 2024-03-06. Review status: criteria provided, single submitter. Criteria: GeneDx Variant Classification Process June 2021. Collection method: clinical testing. Allele origin: germline. Affected: yes.
Comment: Not observed at significant frequency in large population cohorts (gnomAD); In silico analysis supports that this missense variant does not alter protein structure/function; Has not been previously published as pathogenic or benign to our knowledge

NM_015335.5(MED13L):c.3034T>C (p.Tyr1012His)

Gene: MED13L (mediator complex subunit 13L; minus strand). Cytogenetic location: 12q24.21.
Variant type: single nucleotide variant.
Coding change: c.3034T>C on transcript NM_015335.5 (MANE Select); coding-DNA position 3034, T replaced by C.
Protein change: p.Tyr1012His; replaces tyrosine 1012 with histidine.
Molecular consequence: missense variant.
Genome position (GRCh38, 1-based): chr12:115,991,920, A>G on the plus strand (T>C on the coding strand, the complement: MED13L is on the minus strand). VCF-style: chr12-115991920-A-G. GRCh37 (hg19) VCF-style: chr12-116429725-A-G.
Other names: short protein forms Y1012H.
Identifiers: ClinVar variation 3370680 (VCV003370680.1).